The following is an entry in ClinVar:

ClinVar aggregate classification (germline): Uncertain significance (1 of 4 stars; one submission).

Allele frequency attached by ClinVar (database versions not stated): gnomAD exomes below 0.00001; gnomAD 0.00001; TOPMed 0.00001.

Submission:

GeneDx
Classification: Uncertain significance. Last evaluated: 2020-05-18. Review status: criteria provided, single submitter. Criteria: GeneDx Variant Classification Process June 2021. Collection method: clinical testing. Allele origin: germline. Affected: yes.
Comment: Not observed in large population cohorts (Lek et al., 2016); In silico analysis, which includes protein predictors and evolutionary conservation, supports that this variant does not alter protein structure/function; Has not been previously published as pathogenic or benign to our knowledge

NM_005121.3(MED13):c.4246A>G (p.Met1416Val)

Gene: MED13 (mediator complex subunit 13; minus strand). Cytogenetic location: 17q23.2.
Variant type: single nucleotide variant.
Coding change: c.4246A>G on transcript NM_005121.3 (MANE Select); coding-DNA position 4246, A replaced by G.
Protein change: p.Met1416Val; replaces methionine 1416 with valine.
Molecular consequence: missense variant.
Genome position (GRCh38, 1-based): chr17:61,966,597, T>C on the plus strand (A>G on the coding strand, the complement: MED13 is on the minus strand). VCF-style: chr17-61966597-T-C. GRCh37 (hg19) VCF-style: chr17-60043958-T-C.
Other names: short protein forms M1416V.
Identifiers: ClinVar variation 1310214 (VCV001310214.2), dbSNP rs912903641, ClinGen allele CA292804544.